The following is an entry in ClinVar:

ClinVar aggregate classification (germline): Uncertain significance (1 of 4 stars; one submission).

Submission:

Labcorp Genetics (formerly Invitae), Labcorp
Classification: Uncertain significance. Last evaluated: 2025-12-28. Review status: criteria provided, single submitter. Criteria: Invitae Variant Classification Sherloc (09022015). Collection method: clinical testing. Allele origin: germline.
Comment: This sequence change replaces arginine, which is basic and polar, with serine, which is neutral and polar, at codon 601 of the PHIP protein (p.Arg601Ser). This variant is not present in population databases (gnomAD no frequency). This variant has not been reported in the literature in individuals affected with PHIP-related conditions. Invitae Evidence Modeling of protein sequence and biophysical properties (such as structural, functional, and spatial information, amino acid conservation, physicochemical variation, residue mobility, and thermodynamic stability) indicates that this missense variant is not expected to disrupt PHIP protein function with a negative predictive value of 95%. In summary, the available evidence is currently insufficient to determine the role of this variant in disease. Therefore, it has been classified as a Variant of Uncertain Significance.

NM_017934.7(PHIP):c.1803A>T (p.Arg601Ser)

Gene: PHIP (PHIP subunit of CUL4-Ring ligase complex; minus strand). Cytogenetic location: 6q14.1.
Variant type: single nucleotide variant.
Coding change: c.1803A>T on transcript NM_017934.7 (MANE Select); coding-DNA position 1803, A replaced by T.
Protein change: p.Arg601Ser; replaces arginine 601 with serine.
Molecular consequence: missense variant.
Genome position (GRCh38, 1-based): chr6:79,001,975, T>A on the plus strand (A>T on the coding strand, the complement: PHIP is on the minus strand). VCF-style: chr6-79001975-T-A. GRCh37 (hg19) VCF-style: chr6-79711692-T-A.
Other names: short protein forms R601S.
Identifiers: ClinVar variation 4746744 (VCV004746744.1).